The following is an entry in ClinVar:

NM_014956.5(CEP164):c.4010dup (p.Asp1337fs)

Gene: CEP164 (centrosomal protein 164; plus strand). Cytogenetic location: 11q23.3.
Variant type: Duplication.
Coding change: c.4010dup on transcript NM_014956.5 (MANE Select); coding-DNA position 4010, one base duplicated (A; older notation c.4010dupA).
Protein change: p.Asp1337fs; shifts the reading frame from aspartic acid 1337.
Molecular consequence: frameshift variant.
Genome position (GRCh38, 1-based): chr11:117,409,879, A duplicated. VCF-style (leftmost placement, unchanged base first): chr11-117409878-G-GA. GRCh37 (hg19) VCF-style: chr11-117280594-G-GA.
Other names: c.3995dup, p.Asp1332fs (NM_001271933.2); short protein forms D1332fs, D1337fs.
Identifiers: ClinVar variation 1475271 (VCV001475271.6), dbSNP rs2136940605, ClinGen allele CA2573146823.

ClinVar aggregate classification (germline): Pathogenic (1 of 4 stars; one submission).

Conditions:
Nephronophthisis 15 (NPHP15). Identifiers: Orphanet 3156, MedGen C3541853, MONDO:0013917, OMIM 614845.

Submission:

Labcorp Genetics (formerly Invitae), Labcorp
Classification: Pathogenic for Nephronophthisis 15. Last evaluated: 2024-04-17. Review status: criteria provided, single submitter. Criteria: Invitae Variant Classification Sherloc (09022015). Collection method: clinical testing. Allele origin: germline.
Comment: This sequence change creates a premature translational stop signal (p.Asp1337Glufs*53) in the CEP164 gene. It is expected to result in an absent or disrupted protein product. Loss-of-function variants in CEP164 are known to be pathogenic (PMID: 22863007, 28125082, 32367404, 34132027, 34499853). This variant is not present in population databases (gnomAD no frequency). This variant has not been reported in the literature in individuals affected with CEP164-related conditions. ClinVar contains an entry for this variant (Variation ID: 1475271). For these reasons, this variant has been classified as Pathogenic.

Literature cited by the submitters: PubMed 22863007; PubMed 28125082; PubMed 32367404; PubMed 34132027; PubMed 34499853.